The following is an entry in ClinVar:

NM_000059.4(BRCA2):c.4068G>T (p.Leu1356Phe)

Gene: BRCA2 (BRCA2 DNA repair associated; plus strand). Cytogenetic location: 13q13.1.
Variant type: single nucleotide variant.
Coding change: c.4068G>T on transcript NM_000059.4 (MANE Select); coding-DNA position 4068, G replaced by T.
Protein change: p.Leu1356Phe; replaces leucine 1356 with phenylalanine.
Molecular consequence: missense variant.
Genome position (GRCh38, 1-based): chr13:32,338,423, G>T. VCF-style: chr13-32338423-G-T. GRCh37 (hg19) VCF-style: chr13-32912560-G-T.
Other names: short protein forms L1356F.
Identifiers: ClinVar variation 140989 (VCV000140989.27), dbSNP rs28897724, ClinGen allele CA019462.

ClinVar aggregate classification (germline): Conflicting classifications of pathogenicity. Review status: criteria provided, conflicting classifications (1 of 4 stars). 7 submissions from 7 submitters: Uncertain significance (5); Likely benign (2). Last evaluated 2025-11-10.

Conditions:
Hereditary cancer-predisposing syndrome. Also called: Neoplastic Syndromes, Hereditary; Hereditary Cancer Syndrome; Hereditary neoplastic syndrome; Tumor predisposition. Identifiers: Orphanet 140162, MedGen C0027672, MeSH D009386, MONDO:0015356.
Hereditary breast ovarian cancer syndrome. Also called: Hereditary breast and ovarian cancer syndrome; Hereditary breast and/or ovarian cancer syndrome; BRCA1- and BRCA2-Associated Hereditary Breast and Ovarian Cancer; Hereditary breast and ovarian cancer; Breast and ovarian cancer; Hereditary breast and ovarian cancer syndrome (HBOC). Identifiers: Orphanet 145, MedGen C0677776, MeSH D061325, MONDO:0003582. Disease mechanism: loss of function.
Breast-ovarian cancer, familial, susceptibility to, 2 (BROVCA2). Also called: BRCA2 Hereditary Breast and Ovarian Cancer. Identifiers: Orphanet 145, MedGen C2675520, MONDO:0012933, OMIM 612555. Disease mechanism: loss of function.

gnomAD v4.1: 1 of 1,608,236 alleles (0.000062%); highest among the groups gnomAD compares: Non-Finnish European, 0.000085%; no homozygotes.

Submissions (7):

Labcorp Genetics (formerly Invitae), Labcorp
Classification: Uncertain significance for Hereditary breast ovarian cancer syndrome. Last evaluated: 2025-11-10. Review status: criteria provided, single submitter. Criteria: Invitae Variant Classification Sherloc (09022015). Collection method: clinical testing. Allele origin: germline.
Comment: This sequence change replaces leucine, which is neutral and non-polar, with phenylalanine, which is neutral and non-polar, at codon 1356 of the BRCA2 protein (p.Leu1356Phe). This variant is not present in population databases (gnomAD no frequency). This missense change has been observed in individual(s) with clinical features of BRCA2-related conditions (PMID: 31706072). ClinVar contains an entry for this variant (Variation ID: 140989). Invitae Evidence Modeling of protein sequence and biophysical properties (such as structural, functional, and spatial information, amino acid conservation, physicochemical variation, residue mobility, and thermodynamic stability) indicates that this missense variant is not expected to disrupt BRCA2 protein function with a negative predictive value of 95%. In summary, the available evidence is currently insufficient to determine the role of this variant in disease. Therefore, it has been classified as a Variant of Uncertain Significance.

Ambry Genetics
Classification: Likely benign for Hereditary cancer-predisposing syndrome. Last evaluated: 2024-11-01. Review status: criteria provided, single submitter. Criteria: Ambry Variant Classification Scheme 2023. Collection method: clinical testing. Allele origin: germline.

All of Us Research Program, National Institutes of Health
Classification: Uncertain significance for Breast-ovarian cancer, familial, susceptibility to, 2. Last evaluated: 2023-08-23. Review status: criteria provided, single submitter. Criteria: ACMG Guidelines, 2015. Collection method: clinical testing. Allele origin: germline. Inheritance: Autosomal dominant inheritance. Observed: 1 variant allele, 1 heterozygote.
Comment: This missense variant replaces leucine with phenylalanine at codon 1356 of the BRCA2 protein. Computational prediction suggests that this variant may not impact protein structure and function (internally defined REVEL score threshold <= 0.5, PMID: 27666373). To our knowledge, functional studies have not been reported for this variant. This variant has been reported in an individual affected with breast cancer (PMID: 31706072). This variant has not been identified in the general population by the Genome Aggregation Database (gnomAD). The available evidence is insufficient to determine the role of this variant in disease conclusively. Therefore, this variant is classified as a Variant of Uncertain Significance.

This study involves interpretation of variants in research participants for the purpose of population health screening. Participant phenotype was not available at the time of variant classification. Additional details can be found in publication PMID: 35346344, PMCID: PMC8962531

Color Diagnostics, LLC DBA Color Health
Classification: Uncertain significance for Hereditary cancer-predisposing syndrome. Last evaluated: 2023-08-14. Review status: criteria provided, single submitter. Criteria: ACMG Guidelines, 2015. Collection method: clinical testing. Allele origin: germline.
Comment: This missense variant replaces leucine with phenylalanine at codon 1356 of the BRCA2 protein. Computational prediction suggests that this variant may not impact protein structure and function (internally defined REVEL score threshold <= 0.5, PMID: 27666373). To our knowledge, functional studies have not been reported for this variant. This variant has been reported in an individual affected with breast cancer (PMID: 31706072). This variant has not been identified in the general population by the Genome Aggregation Database (gnomAD). The available evidence is insufficient to determine the role of this variant in disease conclusively. Therefore, this variant is classified as a Variant of Uncertain Significance.

University of Washington Department of Laboratory Medicine, University of Washington
Classification: Likely benign for Hereditary cancer-predisposing syndrome. Last evaluated: 2023-03-23. Review status: criteria provided, single submitter. Criteria: Dines et al. (Genet Med. 2020). Collection method: curation. Allele origin: germline.
Comment: Missense variant in a coldspot region where missense variants are very unlikely to be pathogenic (PMID:31911673).

BRCA2 exon 11 coldspot. Reclassification based on statistical prior probability.

Institute for Clinical Genetics, University Hospital TU Dresden, University Hospital TU Dresden
Classification: Uncertain significance. Last evaluated: 2021-11-03. Review status: criteria provided, single submitter. Criteria: ACMG Guidelines, 2015. Collection method: clinical testing. Allele origin: germline.

GeneDx
Classification: Uncertain significance. Last evaluated: 2016-06-08. Review status: criteria provided, single submitter. Criteria: GeneDx Variant Classification (06012015). Collection method: clinical testing. Allele origin: germline. Affected: yes.
Comment: This variant is denoted BRCA2 c.4068G>T at the cDNA level, p.Leu1356Phe (L1356F) at the protein level, and results in the change of a Leucine to a Phenylalanine (TTG>TTT). Using alternate nomenclature, this variant would be defined as BRCA2 4296G>T. This variant has not, to our knowledge, been published in the literature as pathogenic or benign. BRCA2 Leu1356Phe was not observed in approximately 6,500 individuals of European and African American ancestry in the NHLBI Exome Sequencing Project, suggesting it is not a common benign variant in these populations. Since Leucine and Phenylalanine share similar properties, this is considered a conservative amino acid substitution. BRCA2 Leu1356Phe occurs at a position that is not conserved and is located in the RAD51 and POLH binding domains (Roy 2012, Buisson 2014). In silico analyses predict that this variant is unlikely to alter protein structure or function. Based on currently available evidence, it is unclear whether BRCA2 Leu1356Phe is a pathogenic or benign variant. We consider it to be a variant of uncertain significance.

Literature cited by the submitters: PubMed 31706072 (cited by 4 submitters).